The following is an entry in ClinVar:

NM_006030.4(CACNA2D2):c.3286G>A (p.Ala1096Thr)

Genes: CACNA2D2 (calcium voltage-gated channel auxiliary subunit alpha2delta 2; minus strand), LOC127898564 (CYB561D2-LOC101928965; plus strand). Cytogenetic location: 3p21.31.
Variant type: single nucleotide variant.
Coding change: c.3286G>A on transcript NM_006030.4 (MANE Select); coding-DNA position 3286, G replaced by A.
Protein change: p.Ala1096Thr; replaces alanine 1096 with threonine.
Molecular consequence: missense variant.
Genome position (GRCh38, 1-based): chr3:50,364,893, C>T on the plus strand (G>A on the coding strand, the complement: CACNA2D2 is on the minus strand). VCF-style: chr3-50364893-C-T. GRCh37 (hg19) VCF-style: chr3-50402324-C-T.
Other names: c.3292G>A, p.Ala1098Thr (NM_001005505.3); c.3307G>A, p.Ala1103Thr (NM_001174051.3); c.3085G>A, p.Ala1029Thr (NM_001291101.1); c.3307G>A (NM_001174051.1); short protein forms A1096T, A1103T, A1029T, A1098T.
Identifiers: ClinVar variation 240277 (VCV000240277.7), dbSNP rs587723974, ClinGen allele CA2418137.
Genomic context (GRCh38, chr3:50,364,893, plus strand): 5'-GGCCTGGGCGGGCGCAAGGCCGCGGGATTTCGGGTCCACCGCCCCCTCTCCTCACTGTCG[C>T]GTTGTAGTCGAAGCAGATGTGCGGGCCTCTCCGGTATCGCGGTCTCTGCACTAGCTCACA-3'
Protein context (NP_006021.2, residues 1086-1106): RGPHICFDYN[Ala1096Thr]TEDTSDCGRG

ClinVar aggregate classification (germline): Uncertain significance. Review status: criteria provided, multiple submitters, no conflicts (2 of 4 stars). 2 submissions from 2 submitters: Uncertain significance (2). Last evaluated 2025-02-24.

Conditions:
Early-infantile DEE. Also called: Ohtahara syndrome; Early infantile epileptic encephalopathy with suppression bursts; Early infantile epileptic encephalopathy. Identifiers: Orphanet 1934, MedGen C0393706, MONDO:0800491.
Inborn genetic diseases. Identifiers: MedGen C0950123, MeSH D030342.

Allele frequency attached by ClinVar (database versions not stated): 1000 Genomes Project 0.00040; 1000 Genomes Project 30x 0.00047; TOPMed 0.00002.
gnomAD v4.1: 47 of 1,613,370 alleles (0.0029%); highest among the groups gnomAD compares: Non-Finnish European, 0.0036%; no homozygotes.

Submissions (2):

Labcorp Genetics (formerly Invitae), Labcorp
Classification: Uncertain significance for Early-infantile DEE. Last evaluated: 2025-02-24. Review status: criteria provided, single submitter. Criteria: Invitae Variant Classification Sherloc (09022015). Collection method: clinical testing. Allele origin: germline.
Comment: This sequence change replaces alanine, which is neutral and non-polar, with threonine, which is neutral and polar, at codon 1096 of the CACNA2D2 protein (p.Ala1096Thr). This variant is present in population databases (rs587723974, gnomAD 0.006%). This variant has not been reported in the literature in individuals affected with CACNA2D2-related conditions. ClinVar contains an entry for this variant (Variation ID: 240277). An algorithm developed to predict the effect of missense changes on protein structure and function (PolyPhen-2) suggests that this variant is likely to be tolerated. In summary, the available evidence is currently insufficient to determine the role of this variant in disease. Therefore, it has been classified as a Variant of Uncertain Significance.

Ambry Genetics
Classification: Uncertain significance for Inborn genetic diseases. Last evaluated: 2021-12-06. Review status: criteria provided, single submitter. Criteria: Ambry Variant Classification Scheme 2023. Collection method: clinical testing. Allele origin: germline.